The following is an entry in ClinVar:

NM_000548.5(TSC2):c.1766T>C (p.Met589Thr)

Gene: TSC2 (TSC complex subunit 2; plus strand). Cytogenetic location: 16p13.3.
Variant type: single nucleotide variant.
Coding change: c.1766T>C on transcript NM_000548.5 (MANE Select); coding-DNA position 1766, T replaced by C.
Protein change: p.Met589Thr; replaces methionine 589 with threonine.
Molecular consequence: missense variant.
Genome position (GRCh38, 1-based): chr16:2,070,505, T>C. VCF-style: chr16-2070505-T-C. GRCh37 (hg19) VCF-style: chr16-2120506-T-C.
Other names: c.1766T>C, p.Met589Thr (NM_001077183.3, NM_001114382.3, NM_001363528.2 and 6 more transcripts); c.1655T>C, p.Met552Thr (NM_001318827.2, NM_001406670.1, NM_001406678.1); c.1619T>C, p.Met540Thr (NM_001318829.2, NM_001406675.1, NM_001406676.1 and 1 more transcripts); c.1166T>C, p.Met389Thr (NM_001318831.2, NM_001406688.1, NM_001406680.1 and 6 more transcripts); c.1799T>C, p.Met600Thr (NM_001318832.2); c.1856T>C, p.Met619Thr (NM_001406667.1, NM_001406668.1); c.1754T>C, p.Met585Thr (NM_001406671.1, NM_001406673.1); c.1709T>C, p.Met570Thr (NM_001406677.1); and 3 more; short protein forms M141T, M619T, M435T, M55T, M570T, M389T, M552T, M585T.
Identifiers: ClinVar variation 1779692 (VCV001779692.5), dbSNP rs796053487, ClinGen allele CA394272876.
Genomic context (GRCh38, chr16:2,070,505, plus strand): 5'-TCTCTCTGCAGACCAAGCTGTACACCCTGCCTGCAAGCCACGCCACGCGTGTGTATGAGA[T>C]GCTGGTCAGCCACATTCAGCTCCACTACAAGCACAGCTACACCCTGCCAATCGCGAGCAG-3'
Protein context (NP_000539.2, residues 579-599): PASHATRVYE[Met589Thr]LVSHIQLHYK

ClinVar aggregate classification (germline): Conflicting classifications of pathogenicity. Review status: criteria provided, conflicting classifications (1 of 4 stars). 2 submissions from 2 submitters: Uncertain significance (1); Likely benign (1). Last evaluated 2023-10-20.

Conditions:
Tuberous sclerosis 2 (TSC2). Identifiers: Orphanet 805, MedGen C1860707, MONDO:0013199, OMIM 613254.
Hereditary cancer-predisposing syndrome. Also called: Tumor predisposition; Neoplastic Syndromes, Hereditary; Hereditary Cancer Syndrome; Hereditary neoplastic syndrome. Identifiers: Orphanet 140162, MedGen C0027672, MeSH D009386, MONDO:0015356.

Allele frequency attached by ClinVar (database versions not stated): TOPMed below 0.00001.

Submissions (2):

Labcorp Genetics (formerly Invitae), Labcorp
Classification: Uncertain significance for Tuberous sclerosis 2. Last evaluated: 2023-10-20. Review status: criteria provided, single submitter. Criteria: Invitae Variant Classification Sherloc (09022015). Collection method: clinical testing. Allele origin: germline.
Comment: This sequence change replaces methionine, which is neutral and non-polar, with threonine, which is neutral and polar, at codon 589 of the TSC2 protein (p.Met589Thr). This variant is not present in population databases (gnomAD no frequency). This variant has not been reported in the literature in individuals affected with TSC2-related conditions. ClinVar contains an entry for this variant (Variation ID: 1779692). Advanced modeling of protein sequence and biophysical properties (such as structural, functional, and spatial information, amino acid conservation, physicochemical variation, residue mobility, and thermodynamic stability) performed at Invitae indicates that this missense variant is not expected to disrupt TSC2 protein function. In summary, the available evidence is currently insufficient to determine the role of this variant in disease. Therefore, it has been classified as a Variant of Uncertain Significance.

Ambry Genetics
Classification: Likely benign for Hereditary cancer-predisposing syndrome. Last evaluated: 2022-07-27. Review status: criteria provided, single submitter. Criteria: Ambry Variant Classification Scheme 2023. Collection method: clinical testing. Allele origin: germline.